The following is an entry in ClinVar:

ClinVar aggregate classification (germline): Likely pathogenic (1 of 4 stars; one submission).

Conditions:
Maple syrup urine disease type 1A (MSUD1A). Also called: MSUD type 1A. Identifiers: MedGen C1855369, MONDO:0023691, OMIM 248600.

Submission:

Natera, Inc.
Classification: Likely pathogenic for Maple syrup urine disease type 1A. Last evaluated: 2024-11-22. Review status: criteria provided, single submitter. Criteria: Natera Variant Classification Schema (03/2026). Collection method: clinical testing. Allele origin: germline.
Comment: The c.1100_1103del variant in BCKDHA is a frameshift variant predicted to shift the reading frame beginning at codon 367 and leads to a stop codon 2 codons downstream. This variant is expected to result in nonsense mediated decay, truncation, or a dysfunctional protein product. This variant is rare in the general population with a frequency below the threshold expected for the associated phenotype(s). Given the available evidence, this variant is classified as Likely Pathogenic.

NM_000709.4(BCKDHA):c.1100_1103del (p.Tyr367fs)

Gene: BCKDHA (branched chain keto acid dehydrogenase E1 subunit alpha; plus strand). Cytogenetic location: 19q13.2.
Variant type: Deletion.
Coding change: c.1100_1103del on transcript NM_000709.4 (MANE Select); coding-DNA positions 1100 to 1103, 4 bases deleted (ATCT; older notation c.1100_1103delATCT).
Protein change: p.Tyr367fs; shifts the reading frame from tyrosine 367.
Molecular consequence: frameshift variant.
Genome position (GRCh38, 1-based): chr19:41,423,102-41,423,105, ATCT deleted; deleting any 4 consecutive bases within chr19:41,423,100-41,423,105 gives the same sequence; the c. name uses the placement nearest the transcript's 3' end. VCF-style (leftmost placement, unchanged base first): chr19-41423099-ACTAT-A. GRCh37 (hg19) VCF-style: chr19-41929004-ACTAT-A.
Other names: c.1097_1100del, p.Tyr366fs (NM_001164783.2); short protein forms Y366fs, Y367fs.
Identifiers: ClinVar variation 4814465 (VCV004814465.1).
Genomic context (GRCh38, chr19:41,423,099, plus strand): 5'-GCTCGGTGGATGAGGTCAATTACTGGGATAAACAGGACCACCCCATCTCCCGGCTGCGGC[ACTAT>A]CTGCTGAGCCAAGGCTGGTGGGATGAGGAGCAGGAGAAGGCCTGGAGGAAGCAGTCCCGC-3'